The following is an entry in ClinVar:

ClinVar aggregate classification (germline): Pathogenic (1 of 4 stars; one submission).

Conditions:
Familial cancer of breast. Also called: hereditary breast carcinoma; BREAST CANCER, FAMILIAL; Hereditary breast cancer. Identifiers: Orphanet 227535, MedGen C0346153, MONDO:0016419, OMIM 114480. Disease mechanism: loss of function.

Submission:

Labcorp Genetics (formerly Invitae), Labcorp
Classification: Pathogenic for Familial cancer of breast. Last evaluated: 2024-03-04. Review status: criteria provided, single submitter. Criteria: Invitae Variant Classification Sherloc (09022015). Collection method: clinical testing. Allele origin: germline.
Comment: This sequence change creates a premature translational stop signal (p.Asp347Thrfs*2) in the CHEK2 gene. It is expected to result in an absent or disrupted protein product. Loss-of-function variants in CHEK2 are known to be pathogenic (PMID: 21876083, 24713400). This variant is not present in population databases (gnomAD no frequency). This variant has not been reported in the literature in individuals affected with CHEK2-related conditions. Algorithms developed to predict the effect of sequence changes on RNA splicing suggest that this variant may disrupt the consensus splice site. For these reasons, this variant has been classified as Pathogenic.

Literature cited by the submitters: PubMed 21876083; PubMed 24713400.

NM_007194.4(CHEK2):c.1039del (p.Asp347fs)

Gene: CHEK2 (checkpoint kinase 2; minus strand). Cytogenetic location: 22q12.1.
Variant type: Deletion.
Coding change: c.1039del on transcript NM_007194.4 (MANE Select); coding-DNA position 1039, one base deleted (G; older notation c.1039delG).
Protein change: p.Asp347fs; shifts the reading frame from aspartic acid 347.
Molecular consequence: frameshift variant. On other transcripts: intron variant (3).
Genome position (GRCh38, 1-based): chr22:28,696,957, C deleted on the plus strand (G on the coding strand, the reverse complement: CHEK2 is on the minus strand). VCF-style (leftmost placement, unchanged base first): chr22-28696956-TC-T. GRCh37 (hg19) VCF-style: chr22-29092944-TC-T.
Other names: c.1168del, p.Asp390fs (NM_001005735.3); c.376del, p.Asp126fs (NM_001257387.3, NM_001437942.1); c.838del, p.Asp280fs (NM_001349956.3); c.1132del, p.Asp378fs (NM_001438293.1); c.1009-1084del (NM_145862.3); c.1102-1084del (NM_001438295.1); c.1138-1084del (NM_001438294.1); short protein forms D347fs, D126fs, D280fs, D390fs, D378fs.
Identifiers: ClinVar variation 3643668 (VCV003643668.2).
Genomic context (GRCh38, chr22:28,696,956, plus strand): 5'-CTTACCTTTATAAGACAGTCCTCTTCTTGAGATGACAGTAAAACATTCTCTGGCTTTAAG[TC>T]ACGGTGTATAATACCGTTTTCATGAAGGTACTACACAGAAAGGCAGGCATGACCCTCAGA-3'